The following is an entry in ClinVar:

NM_003280.3(TNNC1):c.68C>A (p.Ala23Asp)

Gene: TNNC1 (troponin C1, slow skeletal and cardiac type; minus strand). Cytogenetic location: 3p21.1.
Variant type: single nucleotide variant.
Coding change: c.68C>A on transcript NM_003280.3 (MANE Select); coding-DNA position 68, C replaced by A.
Protein change: p.Ala23Asp; replaces alanine 23 with aspartic acid.
Molecular consequence: missense variant.
Genome position (GRCh38, 1-based): chr3:52,452,240, G>T on the plus strand (C>A on the coding strand, the complement: TNNC1 is on the minus strand). VCF-style: chr3-52452240-G-T. GRCh37 (hg19) VCF-style: chr3-52486256-G-T.
Other names: c.68C>A (LRG_378t1); short protein forms A23D.
Identifiers: ClinVar variation 565519 (VCV000565519.6), dbSNP rs1559616263, ClinGen allele CA353169586.

ClinVar aggregate classification (germline): Uncertain significance. Review status: criteria provided, multiple submitters, no conflicts (2 of 4 stars). 2 submissions from 2 submitters: Uncertain significance (2). Last evaluated 2026-08-29.

Conditions:
Dilated cardiomyopathy 1Z (CMD1Z). Identifiers: Orphanet 154, MedGen C2678475, MONDO:0012745, OMIM 611879.
Hypertrophic cardiomyopathy 13. Also called: TNNC1-Related Familial Hypertrophic Cardiomyopathy. Identifiers: MedGen C2750472, MONDO:0013195, OMIM 613243.
Cardiovascular phenotype. Identifiers: MedGen CN230736.

Submissions (2):

Ambry Genetics
Classification: Uncertain significance for Cardiovascular phenotype. Last evaluated: 2026-08-29. Review status: criteria provided, single submitter. Criteria: Ambry Variant Classification Scheme 2023. Collection method: clinical testing. Allele origin: germline.
Comment: The p.A23D variant (also known as c.68C>A), located in coding exon 3 of the TNNC1 gene, results from a C to A substitution at nucleotide position 68. The alanine at codon 23 is replaced by aspartic acid, an amino acid with dissimilar properties. This amino acid position is conserved. In addition, this alteration is predicted to be deleterious by in silico analysis. Based on the available evidence, the clinical significance of this variant remains unclear.

Labcorp Genetics (formerly Invitae), Labcorp
Classification: Uncertain significance for Hypertrophic cardiomyopathy 13; Dilated cardiomyopathy 1Z. Last evaluated: 2018-06-26. Review status: criteria provided, single submitter. Criteria: Invitae Variant Classification Sherloc (09022015). Collection method: clinical testing. Allele origin: germline.
Comment: In summary, the available evidence is currently insufficient to determine the role of this variant in disease. Therefore, it has been classified as a Variant of Uncertain Significance. Algorithms developed to predict the effect of missense changes on protein structure and function are either unavailable or do not agree on the potential impact of this missense change (SIFT: "Tolerated"; PolyPhen-2: "Probably Damaging"; Align-GVGD: "Class C15"). This variant has not been reported in the literature in individuals with TNNC1-related disease. This variant is not present in population databases (ExAC no frequency). This sequence change replaces alanine with aspartic acid at codon 23 of the TNNC1 protein (p.Ala23Asp). The alanine residue is highly conserved and there is a moderate physicochemical difference between alanine and aspartic acid.